The following is an entry in ClinVar:

NM_000294.3(PHKG2):c.911C>A (p.Pro304His)

Gene: PHKG2 (phosphorylase kinase catalytic subunit gamma 2; plus strand). Cytogenetic location: 16p11.2.
Variant type: single nucleotide variant.
Coding change: c.911C>A on transcript NM_000294.3 (MANE Select); coding-DNA position 911, C replaced by A.
Protein change: p.Pro304His; replaces proline 304 with histidine.
Molecular consequence: missense variant.
Genome position (GRCh38, 1-based): chr16:30,756,699, C>A. VCF-style: chr16-30756699-C-A. GRCh37 (hg19) VCF-style: chr16-30768020-C-A.
Other names: c.911C>A, p.Pro304His (NM_001172432.2); short protein forms P304H.
Identifiers: ClinVar variation 639980 (VCV000639980.8), dbSNP rs781099286, ClinGen allele CA8013331.

ClinVar aggregate classification (germline): Uncertain significance (1 of 4 stars; one submission).

Conditions:
Glycogen storage disease IXc (GSD9C). Also called: GSD IXc. Identifiers: Orphanet 264580, MedGen C2751643, MONDO:0013091, OMIM 613027.

Allele frequency attached by ClinVar (database versions not stated): TOPMed 0.00002; gnomAD 0.00003.

Submission:

Labcorp Genetics (formerly Invitae), Labcorp
Classification: Uncertain significance for Glycogen storage disease IXc. Last evaluated: 2024-06-12. Review status: criteria provided, single submitter. Criteria: Invitae Variant Classification Sherloc (09022015). Collection method: clinical testing. Allele origin: germline.
Comment: This sequence change replaces proline, which is neutral and non-polar, with histidine, which is basic and polar, at codon 304 of the PHKG2 protein (p.Pro304His). This variant is present in population databases (rs781099286, gnomAD 0.008%). This variant has not been reported in the literature in individuals affected with PHKG2-related conditions. ClinVar contains an entry for this variant (Variation ID: 639980). Advanced modeling of protein sequence and biophysical properties (such as structural, functional, and spatial information, amino acid conservation, physicochemical variation, residue mobility, and thermodynamic stability) performed at Invitae indicates that this missense variant is not expected to disrupt PHKG2 protein function with a negative predictive value of 80%. In summary, the available evidence is currently insufficient to determine the role of this variant in disease. Therefore, it has been classified as a Variant of Uncertain Significance.